The following is an entry in ClinVar:

ClinVar aggregate classification (germline): Likely benign. Review status: criteria provided, multiple submitters, no conflicts (2 of 4 stars). 2 submissions from 2 submitters: Likely benign (2). Last evaluated 2025-07-24.

gnomAD v4.1: 4 of 1,613,740 alleles (0.00025%); highest among the groups gnomAD compares: Non-Finnish European, 0.00034%; no homozygotes.

Submissions (2):

Molecular Diagnostic Laboratory for Inherited Cardiovascular Disease, Montreal Heart Institute
Classification: Likely benign. Last evaluated: 2025-07-24. Review status: criteria provided, single submitter. Criteria: ACMG Guidelines, 2015. Collection method: clinical testing. Allele origin: germline. Affected: no.
Comment: BP1

Blueprint Genetics
Classification: Likely benign. Last evaluated: 2019-09-20. Review status: criteria provided, single submitter. Criteria: ACMG Guidelines, 2015. Collection method: clinical testing. Allele origin: germline.

NM_001267550.2(TTN):c.98291A>C (p.Glu32764Ala)

Genes: TTN (titin; minus strand), TTN-AS1 (TTN antisense RNA 1; plus strand). Cytogenetic location: 2q31.2.
Variant type: single nucleotide variant.
Coding change: c.98291A>C on transcript NM_001267550.2 (MANE Select); coding-DNA position 98291, A replaced by C.
Protein change: p.Glu32764Ala; replaces glutamic acid 32764 with alanine.
Molecular consequence: missense variant. On other transcripts: non-coding transcript variant (1).
Genome position (GRCh38, 1-based): chr2:178,539,774, T>G on the plus strand (A>C on the coding strand, the complement: TTN is on the minus strand). VCF-style: chr2-178539774-T-G. GRCh37 (hg19) VCF-style: chr2-179404501-T-G.
Other names: c.93368A>C, p.Glu31123Ala (NM_001256850.1); c.71096A>C, p.Glu23699Ala (NM_003319.4); c.90587A>C, p.Glu30196Ala (NM_133378.4); c.71471A>C, p.Glu23824Ala (NM_133432.3); c.71672A>C, p.Glu23891Ala (NM_133437.4); short protein forms E23699A, E23824A, E23891A, E30196A, E31123A, E32764A.
Identifiers: ClinVar variation 4076415 (VCV004076415.2), dbSNP rs755276825.